The following is an entry in ClinVar:

ClinVar aggregate classification (germline): Uncertain significance. Review status: criteria provided, multiple submitters, no conflicts (2 of 4 stars). 4 submissions from 4 submitters: Uncertain significance (3). 1 of the submissions does not count toward it. Last evaluated 2025-12-30.

Conditions:
Nephronophthisis. Also called: Juvenile Nephronophthisis. Identifiers: Orphanet 655, MedGen C0687120, MONDO:0019005, HP:0000090.
Meckel-Gruber syndrome. Also called: GRUBER SYNDROME; Dysencephalia splachnocystica; DYSENCEPHALIA SPLANCHNOCYSTICA. Identifiers: Orphanet 564, MedGen C0265215, MONDO:0018921.
Joubert syndrome. Also called: Familial aplasia of the vermis; JOUBERT-BOLTSHAUSER SYNDROME. Identifiers: Orphanet 475, MedGen C5979921, MONDO:0018772.
Bardet-Biedl syndrome 14 (BBS14). Identifiers: Orphanet 110, MedGen C2673874, MONDO:0014442, OMIM 615991.
Joubert syndrome 5 (JBTS5). Identifiers: Orphanet 2318, MedGen C1857780, MONDO:0012432, OMIM 610188.
Senior-Loken syndrome 6 (SLSN6). Identifiers: Orphanet 3156, MedGen C1857779, MONDO:0012433, OMIM 610189.
Meckel syndrome, type 4 (MKS4). Also called: MECKEL-GRUBER SYNDROME, TYPE 4. Identifiers: Orphanet 564, MedGen C1970161, MONDO:0012626, OMIM 611134.
Leber congenital amaurosis 10 (LCA10). Identifiers: Orphanet 65, MedGen C1857821, MONDO:0012723, OMIM 611755.
CEP290-related disorder. Also called: CEP290-related condition; CEP290-related disorders. Identifiers: MedGen CN239314.
Leber congenital amaurosis (LCA). Also called: Leber's amaurosis. Identifiers: Orphanet 65, MedGen C0339527, MeSH D057130, MONDO:0018998.

Allele frequency attached by ClinVar (database versions not stated): gnomAD exomes 0.00001; TOPMed 0.00001.
gnomAD v4.1: 12 of 1,501,920 alleles (0.0008%); highest among the groups gnomAD compares: Non-Finnish European, 0.0011%; no homozygotes.

Submissions (4):

PreventionGenetics, part of Exact Sciences
Classification: Uncertain significance for CEP290-related condition. Last evaluated: 2025-12-30. Review status: criteria provided, single submitter. Criteria: ACMG Guidelines, 2015. Collection method: clinical testing. Allele origin: germline.
Comment: The CEP290 c.1028T>C variant is predicted to result in the amino acid substitution p.Leu343Pro. To our knowledge, this variant has not been reported in the literature. This variant is reported in 0.013% of alleles in individuals of East Asian descent in gnomAD. At this time, the clinical significance of this variant is uncertain due to the absence of conclusive functional and genetic evidence.

Labcorp Genetics (formerly Invitae), Labcorp
Classification: Uncertain significance for Joubert syndrome; Meckel-Gruber syndrome; Nephronophthisis. Last evaluated: 2024-10-01. Review status: criteria provided, single submitter. Criteria: Invitae Variant Classification Sherloc (09022015). Collection method: clinical testing. Allele origin: germline.
Comment: This sequence change replaces leucine, which is neutral and non-polar, with proline, which is neutral and non-polar, at codon 343 of the CEP290 protein (p.Leu343Pro). The frequency data for this variant in the population databases is considered unreliable, as metrics indicate poor data quality at this position in the gnomAD database. This variant has not been reported in the literature in individuals affected with CEP290-related conditions. ClinVar contains an entry for this variant (Variation ID: 971538). Invitae Evidence Modeling of protein sequence and biophysical properties (such as structural, functional, and spatial information, amino acid conservation, physicochemical variation, residue mobility, and thermodynamic stability) indicates that this missense variant is expected to disrupt CEP290 protein function with a positive predictive value of 80%. In summary, the available evidence is currently insufficient to determine the role of this variant in disease. Therefore, it has been classified as a Variant of Uncertain Significance.

Fulgent Genetics
Classification: Uncertain significance for Joubert syndrome 5; Senior-Loken syndrome 6; Meckel syndrome, type 4; Leber congenital amaurosis 10; Bardet-Biedl syndrome 14. Last evaluated: 2024-01-31. Review status: criteria provided, single submitter. Criteria: ACMG Guidelines, 2015. Collection method: clinical testing. Allele origin: germline.

Natera, Inc.
Classification: Uncertain significance for Leber congenital amaurosis. Last evaluated: 2021-03-29. Review status: no assertion criteria provided. Collection method: clinical testing. Allele origin: germline. Not counted in ClinVar's aggregate classification.

NM_025114.4(CEP290):c.1028T>C (p.Leu343Pro)

Gene: CEP290 (centrosomal protein 290; minus strand). Cytogenetic location: 12q21.32.
Variant type: single nucleotide variant.
Coding change: c.1028T>C on transcript NM_025114.4 (MANE Select); coding-DNA position 1028, T replaced by C.
Protein change: p.Leu343Pro; replaces leucine 343 with proline.
Molecular consequence: missense variant.
Genome position (GRCh38, 1-based): chr12:88,126,353, A>G on the plus strand (T>C on the coding strand, the complement: CEP290 is on the minus strand). VCF-style: chr12-88126353-A-G. GRCh37 (hg19) VCF-style: chr12-88520130-A-G.
Other names: short protein forms L343P.
Identifiers: ClinVar variation 971538 (VCV000971538.8), dbSNP rs1429640081, ClinGen allele CA385982759.